The following is an entry in ClinVar:

NM_001151.4(SLC25A4):c.278A>G (p.Asp93Gly)

Gene: SLC25A4 (solute carrier family 25 member 4; plus strand). Cytogenetic location: 4q35.1.
Variant type: single nucleotide variant.
Coding change: c.278A>G on transcript NM_001151.4 (MANE Select); coding-DNA position 278, A replaced by G.
Protein change: p.Asp93Gly; replaces aspartic acid 93 with glycine.
Molecular consequence: missense variant.
Genome position (GRCh38, 1-based): chr4:185,144,930, A>G. VCF-style: chr4-185144930-A-G. GRCh37 (hg19) VCF-style: chr4-186066084-A-G.
Other names: short protein forms D93G.
Identifiers: ClinVar variation 2101619 (VCV002101619.4), dbSNP rs2475820206, ClinGen allele CA358896281.
Genomic context (GRCh38, chr4:185,144,930, plus strand): 5'-GTAACCTGGCCAACGTGATCCGTTACTTCCCCACCCAAGCTCTCAACTTCGCCTTCAAGG[A>G]CAAGTACAAGCAGCTCTTCTTAGGGGGTGTGGATCGGCATAAGCAGTTCTGGCGCTACTT-3'
Protein context (NP_001142.2, residues 83-103): PTQALNFAFK[Asp93Gly]KYKQLFLGGV

ClinVar aggregate classification (germline): Uncertain significance (1 of 4 stars; one submission).

Allele frequency attached by ClinVar (database versions not stated): gnomAD exomes below 0.00001.
gnomAD v4.1: 2 of 1,614,214 alleles (0.00012%); highest among the groups gnomAD compares: Non-Finnish European, 0.00017%; no homozygotes.

Submission:

Labcorp Genetics (formerly Invitae), Labcorp
Classification: Uncertain significance. Last evaluated: 2024-10-29. Review status: criteria provided, single submitter. Criteria: Invitae Variant Classification Sherloc (09022015). Collection method: clinical testing. Allele origin: germline.
Comment: This sequence change replaces aspartic acid, which is acidic and polar, with glycine, which is neutral and non-polar, at codon 93 of the SLC25A4 protein (p.Asp93Gly). This variant is not present in population databases (gnomAD no frequency). This variant has not been reported in the literature in individuals affected with SLC25A4-related conditions. ClinVar contains an entry for this variant (Variation ID: 2101619). Invitae Evidence Modeling of protein sequence and biophysical properties (such as structural, functional, and spatial information, amino acid conservation, physicochemical variation, residue mobility, and thermodynamic stability) indicates that this missense variant is not expected to disrupt SLC25A4 protein function with a negative predictive value of 80%. In summary, the available evidence is currently insufficient to determine the role of this variant in disease. Therefore, it has been classified as a Variant of Uncertain Significance.